The following is an entry in ClinVar:

NM_001903.5(CTNNA1):c.2220G>C (p.Ser740=)

Gene: CTNNA1 (catenin alpha 1; plus strand). Cytogenetic location: 5q31.2.
Variant type: single nucleotide variant.
Coding change: c.2220G>C on transcript NM_001903.5 (MANE Select); coding-DNA position 2220, G replaced by C.
Protein change: p.Ser740=; no amino-acid change (serine 740 retained).
Molecular consequence: synonymous variant.
Genome position (GRCh38, 1-based): chr5:138,930,857, G>C. VCF-style: chr5-138930857-G-C. GRCh37 (hg19) VCF-style: chr5-138266546-G-C.
Other names: c.2220G>C, p.Ser740= (NM_001290307.3, NM_001323982.2, NM_001323983.1 and 2 more transcripts); c.1911G>C, p.Ser637= (NM_001290309.3); c.1851G>C, p.Ser617= (NM_001290310.3); c.1110G>C, p.Ser370= (NM_001290312.1, NM_001323987.1, NM_001323988.1 and 17 more transcripts); c.2127G>C, p.Ser709= (NM_001323986.2); c.771G>C, p.Ser257= (NM_001324006.1, NM_001324007.1, NM_001324008.1 and 2 more transcripts); c.1017G>C, p.Ser339= (NM_001324011.1); c.867G>C, p.Ser289= (NM_001324012.1, NM_001324013.1).
Identifiers: ClinVar variation 2448329 (VCV002448329.3), dbSNP rs1059110, ClinGen allele CA446598087.

ClinVar aggregate classification (germline): Benign/Likely benign. Review status: criteria provided, multiple submitters, no conflicts (2 of 4 stars). 2 submissions from 2 submitters: Benign (1); Likely benign (1). Last evaluated 2024-10-15.

Conditions:
Hereditary cancer-predisposing syndrome. Also called: Hereditary neoplastic syndrome; Tumor predisposition; Neoplastic Syndromes, Hereditary; Hereditary Cancer Syndrome. Identifiers: Orphanet 140162, MedGen C0027672, MeSH D009386, MONDO:0015356.
Hereditary diffuse gastric adenocarcinoma (HDGC). Also called: DIFFUSE GASTRIC AND LOBULAR BREAST CANCER SYNDROME. Identifiers: Orphanet 26106, MedGen C1708349, MONDO:0007648, OMIM 137215.

gnomAD v4.1: 4 of 1,612,648 alleles (0.00025%); highest among the groups gnomAD compares: Non-Finnish European, 0.00034%; no homozygotes.

Submissions (2):

Myriad Genetics, Inc.
Classification: Benign for Hereditary diffuse gastric adenocarcinoma. Last evaluated: 2024-10-15. Review status: criteria provided, single submitter. Criteria: Myriad Autosomal Dominant, Autosomal Recessive and X-Linked Classification Criteria (2023). Collection method: clinical testing. Allele origin: unknown.
Comment: This variant is considered benign. This variant is a silent/synonymous amino acid change and it is not expected to impact splicing.

Ambry Genetics
Classification: Likely benign for Hereditary cancer-predisposing syndrome. Last evaluated: 2022-11-24. Review status: criteria provided, single submitter. Criteria: Ambry Variant Classification Scheme 2023. Collection method: clinical testing. Allele origin: germline.